The following is an entry in ClinVar:

NM_001943.5(DSG2):c.1951A>G (p.Ile651Val)

Gene: DSG2 (desmoglein 2; plus strand). Cytogenetic location: 18q12.1.
Variant type: single nucleotide variant.
Coding change: c.1951A>G on transcript NM_001943.5 (MANE Select); coding-DNA position 1951, A replaced by G.
Protein change: p.Ile651Val; replaces isoleucine 651 with valine.
Molecular consequence: missense variant.
Genome position (GRCh38, 1-based): chr18:31,541,264, A>G. VCF-style: chr18-31541264-A-G. GRCh37 (hg19) VCF-style: chr18-29121227-A-G.
Other names: short protein forms I651V.
Identifiers: ClinVar variation 4767650 (VCV004767650.1).

ClinVar aggregate classification (germline): Uncertain significance (1 of 4 stars; one submission).

Conditions:
Arrhythmogenic right ventricular dysplasia 10. Also called: Arrhythmogenic Right Ventricular Dysplasia/Cardiomyopathy10; ARRHYTHMOGENIC RIGHT VENTRICULAR DYSPLASIA, FAMILIAL, 10; Arrhythmogenic right ventricular dysplasia/cardiomyopathy, type 10. Identifiers: MedGen C1857777, MONDO:0012434, OMIM 610193.

gnomAD v4.1: 2 of 1,614,196 alleles (0.00012%); highest among the groups gnomAD compares: Non-Finnish European, 0.00017%; no homozygotes.

Submission:

Labcorp Genetics (formerly Invitae), Labcorp
Classification: Uncertain significance for Arrhythmogenic right ventricular dysplasia 10. Last evaluated: 2026-01-10. Review status: criteria provided, single submitter. Criteria: Invitae Variant Classification Sherloc (09022015). Collection method: clinical testing. Allele origin: germline.
Comment: This sequence change replaces isoleucine, which is neutral and non-polar, with valine, which is neutral and non-polar, at codon 651 of the DSG2 protein (p.Ile651Val). This variant is not present in population databases (gnomAD no frequency). This variant has not been reported in the literature in individuals affected with DSG2-related conditions. Invitae Evidence Modeling of protein sequence and biophysical properties (such as structural, functional, and spatial information, amino acid conservation, physicochemical variation, residue mobility, and thermodynamic stability) indicates that this missense variant is not expected to disrupt DSG2 protein function with a negative predictive value of 95%. In summary, the available evidence is currently insufficient to determine the role of this variant in disease. Therefore, it has been classified as a Variant of Uncertain Significance.